The following is an entry in ClinVar:

ClinVar aggregate classification (germline): Uncertain significance (1 of 4 stars; one submission).

gnomAD v4.1: 143 of 1,612,522 alleles (0.0089%); highest among the groups gnomAD compares: Non-Finnish European, 0.011%; no homozygotes.

Submission:

Mayo Clinic Laboratories, Mayo Clinic
Classification: Uncertain significance. Last evaluated: 2025-02-19. Review status: criteria provided, single submitter. Criteria: ACMG Guidelines, 2015. Collection method: clinical testing. Allele origin: germline. Observed: 1 variant allele.
Comment: BP4_moderate

NM_001256071.3(RNF213):c.14908C>T (p.Arg4970Trp)

Genes: RNF213 (ring finger protein 213; plus strand), RNF213-AS1 (RNF213 antisense RNA 1; minus strand). Cytogenetic location: 17q25.3.
Variant type: single nucleotide variant.
Coding change: c.14908C>T on transcript NM_001256071.3 (MANE Select); coding-DNA position 14908, C replaced by T.
Protein change: p.Arg4970Trp; replaces arginine 4970 with tryptophan.
Molecular consequence: missense variant.
Genome position (GRCh38, 1-based): chr17:80,386,877, C>T. VCF-style: chr17-80386877-C-T. GRCh37 (hg19) VCF-style: chr17-78360677-C-T.
Other names: p.Arg4970Trp; c.15055C>T, p.Arg5019Trp (NM_001410195.1, NM_020914.5); short protein forms R5019W, R4970W.
Identifiers: ClinVar variation 4542238 (VCV004542238.1).